The following is an entry in ClinVar:

ClinVar aggregate classification (germline): Uncertain significance (1 of 4 stars; one submission).

gnomAD v4.1: 6 of 1,614,072 alleles (0.00037%); highest among the groups gnomAD compares: Non-Finnish European, 0.00051%; no homozygotes.

Submission:

CeGaT Center for Human Genetics Tuebingen
Classification: Uncertain significance. Last evaluated: 2026-03-01. Review status: criteria provided, single submitter. Criteria: CeGaT Center For Human Genetics Tuebingen Variant Classification Criteria Version 2. Collection method: clinical testing. Allele origin: germline. Affected: yes. Observed: 1 variant allele.
Comment: ADAMTS2: PM2, BP4

NM_014244.5(ADAMTS2):c.3526C>T (p.Pro1176Ser)

Gene: ADAMTS2 (ADAM metallopeptidase with thrombospondin type 1 motif 2; minus strand). Cytogenetic location: 5q35.3.
Variant type: single nucleotide variant.
Coding change: c.3526C>T on transcript NM_014244.5 (MANE Select); coding-DNA position 3526, C replaced by T.
Protein change: p.Pro1176Ser; replaces proline 1176 with serine.
Molecular consequence: missense variant.
Genome position (GRCh38, 1-based): chr5:179,113,977, G>A on the plus strand (C>T on the coding strand, the complement: ADAMTS2 is on the minus strand). VCF-style: chr5-179113977-G-A. GRCh37 (hg19) VCF-style: chr5-178540978-G-A.
Other names: short protein forms P1176S.
Identifiers: ClinVar variation 4821728 (VCV004821728.4).